The following is an entry in ClinVar:

NM_014629.4(ARHGEF10):c.991G>A (p.Gly331Ser)

Gene: ARHGEF10 (Rho guanine nucleotide exchange factor 10; plus strand). Cytogenetic location: 8p23.3.
Variant type: single nucleotide variant.
Coding change: c.991G>A on transcript NM_014629.4 (MANE Select); coding-DNA position 991, G replaced by A.
Protein change: p.Gly331Ser; replaces glycine 331 with serine.
Molecular consequence: missense variant.
Genome position (GRCh38, 1-based): chr8:1,882,665, G>A. VCF-style: chr8-1882665-G-A. GRCh37 (hg19) VCF-style: chr8-1830831-G-A.
Other names: c.877G>A, p.Gly293Ser (NM_001308152.2); c.994G>A, p.Gly332Ser (NM_001308153.3); short protein forms G293S, G356S, G331S, G332S.
Identifiers: ClinVar variation 1404649 (VCV001404649.8), dbSNP rs767317039, ClinGen allele CA4600159.

ClinVar aggregate classification (germline): Uncertain significance (1 of 4 stars; one submission).

Allele frequency attached by ClinVar (database versions not stated): ExAC 0.00005; gnomAD exomes 0.00005 and 0.00007.
gnomAD v4.1: 71 of 1,555,798 alleles (0.0046%); highest among the groups gnomAD compares: Admixed American, 0.023%; no homozygotes.

Submission:

Labcorp Genetics (formerly Invitae), Labcorp
Classification: Uncertain significance. Last evaluated: 2025-04-30. Review status: criteria provided, single submitter. Criteria: Invitae Variant Classification Sherloc (09022015). Collection method: clinical testing. Allele origin: germline.
Comment: This sequence change replaces glycine, which is neutral and non-polar, with serine, which is neutral and polar, at codon 331 of the ARHGEF10 protein (p.Gly331Ser). This variant is present in population databases (rs767317039, gnomAD 0.03%). This variant has not been reported in the literature in individuals affected with ARHGEF10-related conditions. ClinVar contains an entry for this variant (Variation ID: 1404649). Invitae Evidence Modeling of protein sequence and biophysical properties (such as structural, functional, and spatial information, amino acid conservation, physicochemical variation, residue mobility, and thermodynamic stability) indicates that this missense variant is not expected to disrupt ARHGEF10 protein function with a negative predictive value of 80%. In summary, the available evidence is currently insufficient to determine the role of this variant in disease. Therefore, it has been classified as a Variant of Uncertain Significance.